The following is an entry in ClinVar:

NM_005709.4(USH1C):c.1273C>T (p.Gln425Ter)

Gene: USH1C (USH1 protein network component harmonin; minus strand). Cytogenetic location: 11p15.1.
Variant type: single nucleotide variant.
Coding change: c.1273C>T on transcript NM_005709.4 (MANE Plus Clinical); coding-DNA position 1273, C replaced by T.
Protein change: p.Gln425Ter; replaces glutamine 425 with a stop codon.
Molecular consequence: nonsense. On other transcripts: intron variant (1).
Genome position (GRCh38, 1-based): chr11:17,517,412, G>A on the plus strand (C>T on the coding strand, the complement: USH1C is on the minus strand). VCF-style: chr11-17517412-G-A. GRCh37 (hg19) VCF-style: chr11-17538959-G-A.
Other names: c.1216C>T, p.Gln406Ter (NM_001297764.2); c.1211-1122C>T (NM_153676.4); short protein forms Q406*, Q425*.
Identifiers: ClinVar variation 3669106 (VCV003669106.2).

ClinVar aggregate classification (germline): Pathogenic (1 of 4 stars; one submission).

Submission:

Labcorp Genetics (formerly Invitae), Labcorp
Classification: Pathogenic. Last evaluated: 2024-02-02. Review status: criteria provided, single submitter. Criteria: Invitae Variant Classification Sherloc (09022015). Collection method: clinical testing. Allele origin: germline.
Comment: This sequence change creates a premature translational stop signal (p.Gln425*) in the USH1C gene. It is expected to result in an absent or disrupted protein product. Loss-of-function variants in USH1C are known to be pathogenic (PMID: 10973247, 17407589, 20301442, 21203349). This variant is not present in population databases (gnomAD no frequency). This variant has not been reported in the literature in individuals affected with USH1C-related conditions. Algorithms developed to predict the effect of sequence changes on RNA splicing suggest that this variant may disrupt the consensus splice site. For these reasons, this variant has been classified as Pathogenic.

Literature cited by the submitters: PubMed 10973247; PubMed 17407589; PubMed 20301442; PubMed 21203349.